The following is an entry in ClinVar:

ClinVar aggregate classification (germline): Uncertain significance. Review status: criteria provided, multiple submitters, no conflicts (2 of 4 stars). 2 submissions from 2 submitters: Uncertain significance (2). Last evaluated 2024-08-17.

Conditions:
Hereditary cancer-predisposing syndrome. Also called: Hereditary neoplastic syndrome; Tumor predisposition; Neoplastic Syndromes, Hereditary; Hereditary Cancer Syndrome. Identifiers: Orphanet 140162, MedGen C0027672, MeSH D009386, MONDO:0015356.
POLD1-related polyposis and colorectal cancer syndrome (CRCS10). Also called: Colorectal cancer 10; COLORECTAL CANCER, SUSCEPTIBILITY TO, ON CHROMOSOME 19q; Colorectal cancer, susceptibility to, 10. Identifiers: Orphanet 220460, MedGen C2675481, MONDO:0012953, OMIM 612591.

Submissions (2):

Ambry Genetics
Classification: Uncertain significance for Hereditary cancer-predisposing syndrome. Last evaluated: 2024-08-17. Review status: criteria provided, single submitter. Criteria: Ambry Variant Classification Scheme 2023. Collection method: clinical testing. Allele origin: germline.
Comment: The p.P965H variant (also known as c.2894C>A), located in coding exon 22 of the POLD1 gene, results from a C to A substitution at nucleotide position 2894. The proline at codon 965 is replaced by histidine, an amino acid with similar properties. This amino acid position is conserved. In addition, the in silico prediction for this alteration is inconclusive. Based on the available evidence, the clinical significance of this variant remains unclear.

Labcorp Genetics (formerly Invitae), Labcorp
Classification: Uncertain significance for POLD1-related polyposis and colorectal cancer syndrome. Last evaluated: 2019-07-31. Review status: criteria provided, single submitter. Criteria: Invitae Variant Classification Sherloc (09022015). Collection method: clinical testing. Allele origin: germline.
Comment: This variant has not been reported in the literature in individuals with POLD1-related conditions. In summary, the available evidence is currently insufficient to determine the role of this variant in disease. Therefore, it has been classified as a Variant of Uncertain Significance. Algorithms developed to predict the effect of missense changes on protein structure and function are either unavailable or do not agree on the potential impact of this missense change (SIFT: "Deleterious"; PolyPhen-2: "Probably Damaging"; Align-GVGD: "Class C0"). This variant is not present in population databases (ExAC no frequency). This sequence change replaces proline with histidine at codon 965 of the POLD1 protein (p.Pro965His). The proline residue is highly conserved and there is a moderate physicochemical difference between proline and histidine.

NM_002691.4(POLD1):c.2894C>A (p.Pro965His)

Gene: POLD1 (DNA polymerase delta 1, catalytic subunit; plus strand). Cytogenetic location: 19q13.33.
Variant type: single nucleotide variant.
Coding change: c.2894C>A on transcript NM_002691.4 (MANE Select); coding-DNA position 2894, C replaced by A.
Protein change: p.Pro965His; replaces proline 965 with histidine.
Molecular consequence: missense variant. On other transcripts: non-coding transcript variant (1).
Genome position (GRCh38, 1-based): chr19:50,416,469, C>A. VCF-style: chr19-50416469-C-A. GRCh37 (hg19) VCF-style: chr19-50919726-C-A.
Other names: c.2894C>A, p.Pro965His (NM_001256849.1); c.2972C>A, p.Pro991His (NM_001308632.1); c.2894C>A (NM_002691.2); short protein forms P965H, P991H.
Identifiers: ClinVar variation 940341 (VCV000940341.10), dbSNP rs2039295541, ClinGen allele CA406986484.
Genomic context (GRCh38, chr19:50,416,469, plus strand): 5'-TGCTGGAGCACAGCCTGCCCATTGACACGCAGTACTACCTGGAGCAGCAGCTGGCCAAGC[C>A]CCTCCTGCGCATCTTCGAGCCCATCCTGGGCGAGGGCCGTGCCGAGGCTGTGCTACTGCG-3'
Protein context (NP_002682.2, residues 955-975): QYYLEQQLAK[Pro965His]LLRIFEPILG